The following is an entry in ClinVar:

NM_133443.4(GPT2):c.981C>T (p.Tyr327=)

Gene: GPT2 (glutamic--pyruvic transaminase 2; plus strand). Cytogenetic location: 16q11.2.
Variant type: single nucleotide variant.
Coding change: c.981C>T on transcript NM_133443.4 (MANE Select); coding-DNA position 981, C replaced by T.
Protein change: p.Tyr327=; no amino-acid change (tyrosine 327 retained).
Molecular consequence: synonymous variant.
Genome position (GRCh38, 1-based): chr16:46,918,701, C>T. VCF-style: chr16-46918701-C-T. GRCh37 (hg19) VCF-style: chr16-46952613-C-T.
Other names: c.681C>T, p.Tyr227= (NM_001142466.3).
Identifiers: ClinVar variation 3239056 (VCV003239056.19), dbSNP rs765606320.

ClinVar aggregate classification (germline): Likely benign (1 of 4 stars; one submission).

Allele frequency attached by ClinVar (database versions not stated): gnomAD exomes below 0.00001; ExAC 0.00001; TOPMed 0.00001.
gnomAD v4.1: 7 of 1,614,220 alleles (0.00043%); highest among the groups gnomAD compares: Non-Finnish European, 0.00051%; no homozygotes.

Submission:

CeGaT Center for Human Genetics Tuebingen
Classification: Likely benign. Last evaluated: 2024-05-01. Review status: criteria provided, single submitter. Criteria: CeGaT Center For Human Genetics Tuebingen Variant Classification Criteria Version 2. Collection method: clinical testing. Allele origin: germline. Affected: yes. Observed: 1 variant allele.
Comment: GPT2: BP4, BP7